The following is an entry in ClinVar:

ClinVar aggregate classification (germline): Uncertain significance (1 of 4 stars; one submission).

Allele frequency attached by ClinVar (database versions not stated): gnomAD exomes below 0.00001; gnomAD 0.00003; TOPMed 0.00003.
gnomAD v4.1: 10 of 1,506,220 alleles (0.00066%); highest among the groups gnomAD compares: African/African-American, 0.013%; no homozygotes.

Submission:

Labcorp Genetics (formerly Invitae), Labcorp
Classification: Uncertain significance. Last evaluated: 2025-04-21. Review status: criteria provided, single submitter. Criteria: Invitae Variant Classification Sherloc (09022015). Collection method: clinical testing. Allele origin: germline.
Comment: This sequence change replaces glycine, which is neutral and non-polar, with serine, which is neutral and polar, at codon 410 of the RIMS1 protein (p.Gly410Ser). This variant is present in population databases (no rsID available, gnomAD 0.009%). This variant has not been reported in the literature in individuals affected with RIMS1-related conditions. ClinVar contains an entry for this variant (Variation ID: 966433). An algorithm developed to predict the effect of missense changes on protein structure and function (PolyPhen-2) suggests that this variant is likely to be disruptive. In summary, the available evidence is currently insufficient to determine the role of this variant in disease. Therefore, it has been classified as a Variant of Uncertain Significance.

NM_014989.7(RIMS1):c.1228G>A (p.Gly410Ser)

Gene: RIMS1 (regulating synaptic membrane exocytosis 1; plus strand). Cytogenetic location: 6q13.
Variant type: single nucleotide variant.
Coding change: c.1228G>A on transcript NM_014989.7 (MANE Select); coding-DNA position 1228, G replaced by A.
Protein change: p.Gly410Ser; replaces glycine 410 with serine.
Molecular consequence: missense variant.
Genome position (GRCh38, 1-based): chr6:72,182,699, G>A. VCF-style: chr6-72182699-G-A. GRCh37 (hg19) VCF-style: chr6-72892402-G-A.
Other names: short protein forms G410S.
Identifiers: ClinVar variation 966433 (VCV000966433.9), dbSNP rs1341234255, ClinGen allele CA364820524.